The following is an entry in ClinVar:

ClinVar aggregate classification (germline): Conflicting classifications of pathogenicity. Review status: criteria provided, conflicting classifications (1 of 4 stars). 6 submissions from 6 submitters: Uncertain significance (1); Benign (1); Likely benign (3). 1 of the submissions does not count toward it. Last evaluated 2026-01-18.

Conditions:
KMT2D-related disorder. Also called: KMT2D-Related Disorders.
Kabuki syndrome. Also called: Kabuki make-up syndrome; NIIKAWA-KUROKI SYNDROME. Identifiers: Orphanet 2322, MedGen C0796004, MONDO:0016512.
Inborn genetic diseases. Identifiers: MedGen C0950123, MeSH D030342.

Allele frequency attached by ClinVar (database versions not stated): gnomAD exomes 0.00005 and 0.00008; ExAC 0.00009; 1000 Genomes Project 30x 0.00031; 1000 Genomes Project 0.00040; ESP Exome Variant Server 0.00041; gnomAD 0.00050 and 0.00053; TOPMed 0.00053.
gnomAD v4.1: 158 of 1,602,158 alleles (0.0099%); highest among the groups gnomAD compares: African/African-American, 0.19%; no homozygotes.

Submissions (6):

Labcorp Genetics (formerly Invitae), Labcorp
Classification: Likely benign for Kabuki syndrome. Last evaluated: 2026-01-18. Review status: criteria provided, single submitter. Criteria: Invitae Variant Classification Sherloc (09022015). Collection method: clinical testing. Allele origin: germline.

Blueprint Genetics
Classification: Likely benign. Last evaluated: 2024-03-07. Review status: criteria provided, single submitter. Criteria: ACMG Guidelines, 2015. Collection method: clinical testing. Allele origin: germline.

Ambry Genetics
Classification: Likely benign for Inborn genetic diseases. Last evaluated: 2023-03-10. Review status: criteria provided, single submitter. Criteria: Ambry Variant Classification Scheme 2023. Collection method: clinical testing. Allele origin: germline.

GeneDx
Classification: Benign. Last evaluated: 2021-08-18. Review status: criteria provided, single submitter. Criteria: GeneDx Variant Classification Process June 2021. Collection method: clinical testing. Allele origin: germline. Affected: yes.

Eurofins Ntd Llc (ga)
Classification: Uncertain significance. Last evaluated: 2017-02-09. Review status: criteria provided, single submitter. Criteria: EGL Classification Definitions 2015. Collection method: clinical testing. Allele origin: germline. Observed: 1 variant allele, 1 heterozygote.

PreventionGenetics, part of Exact Sciences
Classification: Likely benign for KMT2D-related condition. Last evaluated: 2021-11-30. Review status: no assertion criteria provided. Collection method: clinical testing. Allele origin: germline. Not counted in ClinVar's aggregate classification.
Comment: This variant is classified as likely benign based on ACMG/AMP sequence variant interpretation guidelines (Richards et al. 2015 PMID: 25741868, with internal and published modifications).

NM_003482.4(KMT2D):c.9385C>T (p.Pro3129Ser)

Gene: KMT2D (lysine methyltransferase 2D; minus strand). Cytogenetic location: 12q13.12.
Variant type: single nucleotide variant.
Coding change: c.9385C>T on transcript NM_003482.4 (MANE Select); coding-DNA position 9385, C replaced by T.
Protein change: p.Pro3129Ser; replaces proline 3129 with serine.
Molecular consequence: missense variant.
Genome position (GRCh38, 1-based): chr12:49,037,971, G>A on the plus strand (C>T on the coding strand, the complement: KMT2D is on the minus strand). VCF-style: chr12-49037971-G-A. GRCh37 (hg19) VCF-style: chr12-49431754-G-A.
Other names: short protein forms P3129S.
Identifiers: ClinVar variation 500417 (VCV000500417.22), dbSNP rs200089754, ClinGen allele CA6546701.